The following is an entry in ClinVar:

ClinVar aggregate classification (germline): Uncertain significance. Review status: criteria provided, multiple submitters, no conflicts (2 of 4 stars). 3 submissions from 3 submitters: Uncertain significance (3). Last evaluated 2025-12-08.

Conditions:
Progressive familial heart block type IB (PFHB1B). Identifiers: Orphanet 871, MedGen C1970298, MONDO:0011474, OMIM 604559.
Cardiovascular phenotype. Identifiers: MedGen CN230736.

Allele frequency attached by ClinVar (database versions not stated): gnomAD 0.00001; TOPMed 0.00001.
gnomAD v4.1: 9 of 1,614,128 alleles (0.00056%); highest among the groups gnomAD compares: Non-Finnish European, 0.00076%; no homozygotes.

Submissions (3):

Labcorp Genetics (formerly Invitae), Labcorp
Classification: Uncertain significance for Progressive familial heart block type IB. Last evaluated: 2025-12-08. Review status: criteria provided, single submitter. Criteria: Invitae Variant Classification Sherloc (09022015). Collection method: clinical testing. Allele origin: germline.
Comment: This sequence change replaces histidine, which is basic and polar, with glutamine, which is neutral and polar, at codon 1084 of the TRPM4 protein (p.His1084Gln). This variant is present in population databases (no rsID available, gnomAD 0.006%). This variant has not been reported in the literature in individuals affected with TRPM4-related conditions. ClinVar contains an entry for this variant (Variation ID: 1315994). An algorithm developed to predict the effect of missense changes on protein structure and function (PolyPhen-2) suggests that this variant is likely to be disruptive. In summary, the available evidence is currently insufficient to determine the role of this variant in disease. Therefore, it has been classified as a Variant of Uncertain Significance.

Ambry Genetics
Classification: Uncertain significance for Cardiovascular phenotype. Last evaluated: 2024-12-05. Review status: criteria provided, single submitter. Criteria: Ambry Variant Classification Scheme 2023. Collection method: clinical testing. Allele origin: germline.
Comment: The p.H1084Q variant (also known as c.3252C>G), located in coding exon 21 of the TRPM4 gene, results from a C to G substitution at nucleotide position 3252. The histidine at codon 1084 is replaced by glutamine, an amino acid with highly similar properties. This amino acid position is conserved. In addition, the in silico prediction for this alteration is inconclusive. Based on the available evidence, the clinical significance of this variant remains unclear.

GeneDx
Classification: Uncertain significance. Last evaluated: 2022-02-21. Review status: criteria provided, single submitter. Criteria: GeneDx Variant Classification Process June 2021. Collection method: clinical testing. Allele origin: germline. Affected: yes.
Comment: Not observed at a significant frequency in large population cohorts (gnomAD); In silico analysis, which includes protein predictors and evolutionary conservation, supports a deleterious effect; Has not been previously published as pathogenic or benign to our knowledge

NM_017636.4(TRPM4):c.3252C>G (p.His1084Gln)

Gene: TRPM4 (transient receptor potential cation channel subfamily M member 4; plus strand). Cytogenetic location: 19q13.33.
Variant type: single nucleotide variant.
Coding change: c.3252C>G on transcript NM_017636.4 (MANE Select); coding-DNA position 3252, C replaced by G.
Protein change: p.His1084Gln; replaces histidine 1084 with glutamine.
Molecular consequence: missense variant.
Genome position (GRCh38, 1-based): chr19:49,210,329, C>G. VCF-style: chr19-49210329-C-G. GRCh37 (hg19) VCF-style: chr19-49713586-C-G.
Other names: c.2817C>G, p.His939Gln (NM_001195227.2); c.2907C>G, p.His969Gln (NM_001321281.2); c.1644C>G, p.His548Gln (NM_001321282.2); c.2730C>G, p.His910Gln (NM_001321283.2); c.2190C>G, p.His730Gln (NM_001321285.2); short protein forms H1084Q, H548Q, H730Q, H910Q, H939Q, H969Q.
Identifiers: ClinVar variation 1315994 (VCV001315994.5), dbSNP rs766411985, ClinGen allele CA406771966.